The following is an entry in ClinVar:

NM_000213.5(ITGB4):c.4014G>C (p.Gln1338His)

Genes: GALK1 (galactokinase 1; minus strand), ITGB4 (integrin subunit beta 4; plus strand). Cytogenetic location: 17q25.1.
Variant type: single nucleotide variant.
Coding change: c.4014G>C on transcript NM_000213.5 (MANE Select); coding-DNA position 4014, G replaced by C.
Protein change: p.Gln1338His; replaces glutamine 1338 with histidine.
Molecular consequence: missense variant. On other transcripts: intron variant (1).
Genome position (GRCh38, 1-based): chr17:75,752,483, G>C. VCF-style: chr17-75752483-G-C. GRCh37 (hg19) VCF-style: chr17-73748564-G-C.
Other names: c.4014G>C, p.Gln1338His (NM_001005619.2, NM_001005731.3, NM_001321123.2 and 1 more transcripts); c.*23-746C>G (NM_001381985.1); short protein forms Q1338H.
Identifiers: ClinVar variation 931093 (VCV000931093.5), dbSNP rs2061391218, ClinGen allele CA401080663.

ClinVar aggregate classification (germline): Uncertain significance (1 of 4 stars; one submission).

Conditions:
Epidermolysis bullosa simplex 1C, localized. Also called: Weber-Cockayne Syndrome; Localized epidermolysis bullosa simplex; EBS, ACRAL FORM; EPIDERMOLYSIS BULLOSA OF HANDS AND FEET; Epidermolysis Bullosa Simplex, Weber-Cockayne Type. Identifiers: Orphanet 79400, MedGen C0080333, MONDO:0007551, OMIM 131800.

Allele frequency attached by ClinVar (database versions not stated): gnomAD exomes below 0.00001.
gnomAD v4.1: 2 of 1,613,650 alleles (0.00012%); highest among the groups gnomAD compares: Non-Finnish European, 0.00017%; no homozygotes.

Submission:

Centre for Mendelian Genomics, University Medical Centre Ljubljana
Classification: Uncertain significance for Epidermolysis bullosa simplex 1C, localized. Last evaluated: 2019-07-01. Review status: criteria provided, single submitter. Criteria: ACMG Guidelines, 2015. Collection method: clinical testing. Allele origin: unknown. Affected: yes.
Comment: This variant was classified as: Uncertain significance. The available evidence on this variant's pathogenicity is insufficient or conflicting. The following ACMG criteria were applied in classifying this variant: PM2.